The following is an entry in ClinVar:

NM_020066.5(FMN2):c.3168C>G (p.Pro1056=)

Gene: FMN2 (formin 2; plus strand). Cytogenetic location: 1q43.
Variant type: single nucleotide variant.
Coding change: c.3168C>G on transcript NM_020066.5 (MANE Select); coding-DNA position 3168, C replaced by G.
Protein change: p.Pro1056=; no amino-acid change (proline 1056 retained).
Molecular consequence: synonymous variant. On other transcripts: intron variant (1).
Genome position (GRCh38, 1-based): chr1:240,207,980, C>G. VCF-style: chr1-240207980-C-G. GRCh37 (hg19) VCF-style: chr1-240371280-C-G.
Other names: c.3180C>G, p.Pro1060= (NM_001305424.2); c.1986+19718C>G (NM_001348094.2).
Identifiers: ClinVar variation 2640171 (VCV002640171.24), dbSNP rs1666488939, ClinGen allele CA424385525.

ClinVar aggregate classification (germline): Likely benign (1 of 4 stars; one submission).

Submission:

CeGaT Center for Human Genetics Tuebingen
Classification: Likely benign. Last evaluated: 2026-09-01. Review status: criteria provided, single submitter. Criteria: CeGaT Center For Human Genetics Tuebingen Variant Classification Criteria Version 2. Collection method: clinical testing. Allele origin: germline. Affected: yes. Observed: 4 variant alleles.
Comment: FMN2: PM2:Supporting, BP4, BP7